The following is an entry in ClinVar:

ClinVar aggregate classification (germline): Benign (1 of 4 stars; one submission).

Conditions:
Anemia, congenital dyserythropoietic, type IVa. Also called: Congenital dyserythropoietic anemia type 4; Congenital dyserythropoietic anemia, type IV; CDA, TYPE IVa. Identifiers: Orphanet 293825, MedGen C3150926, MONDO:0013355, OMIM 613673.

Allele frequency attached by ClinVar (database versions not stated): gnomAD 0.00001; 1000 Genomes Project 0.00060; 1000 Genomes Project 30x 0.00047.

Submission:

Illumina Laboratory Services, Illumina
Classification: Benign for Anemia, congenital dyserythropoietic, type IVa. Last evaluated: 2018-01-12. Review status: criteria provided, single submitter. Criteria: ICSL Variant Classification Criteria 13 December 2019. Collection method: clinical testing. Allele origin: germline.
Comment: This variant was observed in the ICSL laboratory as part of a predisposition screen in an ostensibly healthy population. It had not been previously curated by ICSL or reported in the Human Gene Mutation Database (HGMD: prior to June 1st, 2018), and was therefore a candidate for classification through an automated scoring system. Utilizing variant allele frequency, disease prevalence and penetrance estimates, and inheritance mode, an automated score was calculated to assess if this variant is too frequent to cause the disease. Based on the score and internal cut-off values, a variant classified as benign is not then subjected to further curation. The score for this variant resulted in a classification of benign for this disease.

NM_006563.5(KLF1):c.*291A>G

Gene: KLF1 (KLF transcription factor 1; minus strand). Cytogenetic location: 19p13.13.
Variant type: single nucleotide variant.
Coding change: c.*291A>G on transcript NM_006563.5 (MANE Select); 291 bases downstream of the stop codon, A replaced by G.
Molecular consequence: 3 prime UTR variant.
Genome position (GRCh38, 1-based): chr19:12,884,594, T>C on the plus strand (A>G on the coding strand, the complement: KLF1 is on the minus strand). VCF-style: chr19-12884594-T-C. GRCh37 (hg19) VCF-style: chr19-12995408-T-C.
Identifiers: ClinVar variation 328307 (VCV000328307.5), dbSNP rs531279487, ClinGen allele CA10652257.